The following is an entry in ClinVar:

NM_173495.3(PTCHD1):c.134G>A (p.Arg45His)

Gene: PTCHD1 (patched domain containing 1; plus strand). Cytogenetic location: Xp22.11.
Variant type: single nucleotide variant.
Coding change: c.134G>A on transcript NM_173495.3 (MANE Select); coding-DNA position 134, G replaced by A.
Protein change: p.Arg45His; replaces arginine 45 with histidine.
Molecular consequence: missense variant.
Genome position (GRCh38, 1-based): chrX:23,335,009, G>A. VCF-style: chrX-23335009-G-A. GRCh37 (hg19) VCF-style: chrX-23353126-G-A.
Other names: short protein forms R45H.
Identifiers: ClinVar variation 3339375 (VCV003339375.1).

ClinVar aggregate classification (germline): Uncertain significance (1 of 4 stars; one submission).

Submission:

Women's Health and Genetics/Laboratory Corporation of America, LabCorp
Classification: Uncertain significance. Last evaluated: 2024-07-31. Review status: criteria provided, single submitter. Criteria: LabCorp Variant Classification Summary - May 2015. Collection method: clinical testing. Allele origin: germline.
Comment: Variant summary: PTCHD1 c.134G>A (p.Arg45His) results in a non-conservative amino acid change in the encoded protein sequence. Three of five in-silico tools predict a damaging effect of the variant on protein function. The variant allele was found at a frequency of 5.6e-06 in 180015 control chromosomes (gnomAD). The available data on variant occurrences in the general population are insufficient to allow any conclusion about variant significance. c.134G>A has been reported in the literature in an individual affected with autism spectrum disorder without strong evidence of causality (Adbi_2023). These reports do not provide unequivocal conclusions about association of the variant with Autism, Susceptibility To, X-Linked 4. To our knowledge, no experimental evidence demonstrating an impact on protein function has been reported. The following publication has been ascertained in the context of this evaluation (PMID: 37805537). No submitters have cited clinical-significance assessments for this variant to ClinVar. Based on the evidence outlined above, the variant was classified as uncertain significance.

Literature cited by the submitters: PubMed 37805537.